The following is an entry in ClinVar:

ClinVar aggregate classification (germline): Pathogenic (1 of 4 stars; one submission).

Submission:

Labcorp Genetics (formerly Invitae), Labcorp
Classification: Pathogenic. Last evaluated: 2025-07-09. Review status: criteria provided, single submitter. Criteria: Invitae Variant Classification Sherloc (09022015). Collection method: clinical testing. Allele origin: germline.
Comment: This sequence change affects the initiator codon of the GNAS mRNA. This change may impact translation initiation or efficiency. The next in-frame methionine is located at codon 60. This variant is not present in population databases (gnomAD no frequency). Disruption of the initiator codon has been observed in individual(s) with GNAS-related conditions (PMID: 21713996). In at least one individual the variant was observed to be de novo. Algorithms developed to predict the effect of variants on gene product structure and function are not available or were not evaluated for this variant. Experimental studies have shown that disruption of the initiator codon affects GNAS function (PMID: 21713996). For these reasons, this variant has been classified as Pathogenic.

Literature cited by the submitters: PubMed 21713996.

NM_000516.7(GNAS):c.-2_1del (p.Met1del)

Gene: GNAS (GNAS complex locus; plus strand). Cytogenetic location: 20q13.32.
Variant type: Deletion.
Coding change: c.-2_1del on transcript NM_000516.7 (MANE Select); 2 bases upstream of the start codon through coding-DNA position 1, 3 bases deleted (CCA; older notation c.-2_1delCCA).
Protein change: p.Met1del; deletes methionine 1.
Molecular consequence: inframe deletion, initiator codon variant. On other transcripts: intron variant (11).
Genome position (GRCh38, 1-based): chr20:58,891,725-58,891,727, CCA deleted. VCF-style (leftmost placement, unchanged base first): chr20-58891724-GCCA-G. GRCh37 (hg19) VCF-style: chr20-57466779-GCCA-G.
Other names: c.-2_1del, p.Met1del (NM_001077488.5, NM_001077489.4, NM_001309842.2 and 1 more transcripts); c.*43-3887_*43-3885del (NM_016592.5); c.44-3887_44-3885del (NM_001410912.1); c.-38-3887_-38-3885del (NM_001309861.2); c.*1-3887_*1-3885del (NM_001077490.3); c.2069-3887_2069-3885del (NM_080425.4, NM_001410913.1); c.*159-3887_*159-3885del (NM_001309883.1); c.-39+2372_-39+2374del (NM_001438273.1, NM_001309840.2); and 1 more; short protein forms M1del.
Identifiers: ClinVar variation 4722997 (VCV004722997.1).
Genomic context (GRCh38, chr20:58,891,724, plus strand): 5'-GTGAGGCCGCCCGCGCCCGCCGCCGCCGCAGCCCGGCCGCGCCCCGCCGCCGCCGCCGCC[GCCA>G]TGGGCTGCCTCGGGAACAGTAAGACCGAGGACCAGCGCAACGAGGAGAAGGCGCAGCGTG-3'